The following is an entry in ClinVar:

ClinVar aggregate classification (germline): Uncertain significance. Review status: criteria provided, multiple submitters, no conflicts (2 of 4 stars). 2 submissions from 2 submitters: Uncertain significance (2). Last evaluated 2024-05-17.

Conditions:
Familial thoracic aortic aneurysm and aortic dissection (TAAD). Also called: Thoracic aortic aneurysms and dissections. Identifiers: Orphanet 91387, MedGen C4707243, MONDO:0019625.
Aortic aneurysm, familial thoracic 7 (AAT7). Also called: AORTIC DISSECTION, FAMILIAL, WITH OR WITHOUT AORTIC ANEURYSM. Identifiers: MedGen C3151077, MONDO:0013418, OMIM 613780.

Allele frequency attached by ClinVar (database versions not stated): TOPMed below 0.00001; ExAC 0.00001; gnomAD 0.00001; gnomAD exomes 0.00001; ESP Exome Variant Server 0.00008.
gnomAD v4.1: 7 of 1,613,944 alleles (0.00043%); highest among the groups gnomAD compares: Non-Finnish European, 0.00059%; no homozygotes.

Submissions (2):

Ambry Genetics
Classification: Uncertain significance for Familial thoracic aortic aneurysm and aortic dissection. Last evaluated: 2024-05-17. Review status: criteria provided, single submitter. Criteria: Ambry Variant Classification Scheme 2023. Collection method: clinical testing. Allele origin: germline.
Comment: The p.R1853H variant (also known as c.5558G>A), located in coding exon 31 of the MYLK gene, results from a G to A substitution at nucleotide position 5558. The arginine at codon 1853 is replaced by histidine, an amino acid with highly similar properties. This amino acid position is conserved. In addition, this alteration is predicted to be tolerated by in silico analysis. Based on the available evidence, the clinical significance of this variant remains unclear.

Labcorp Genetics (formerly Invitae), Labcorp
Classification: Uncertain significance for Aortic aneurysm, familial thoracic 7. Last evaluated: 2022-08-21. Review status: criteria provided, single submitter. Criteria: Invitae Variant Classification Sherloc (09022015). Collection method: clinical testing. Allele origin: germline.
Comment: In summary, the available evidence is currently insufficient to determine the role of this variant in disease. Therefore, it has been classified as a Variant of Uncertain Significance. Advanced modeling of protein sequence and biophysical properties (such as structural, functional, and spatial information, amino acid conservation, physicochemical variation, residue mobility, and thermodynamic stability) performed at Invitae indicates that this missense variant is not expected to disrupt MYLK protein function. ClinVar contains an entry for this variant (Variation ID: 1356586). This variant has not been reported in the literature in individuals affected with MYLK-related conditions. This variant is present in population databases (rs375758782, gnomAD 0.004%). This sequence change replaces arginine, which is basic and polar, with histidine, which is basic and polar, at codon 1853 of the MYLK protein (p.Arg1853His).

NM_053025.4(MYLK):c.5558G>A (p.Arg1853His)

Genes: MYLK (myosin light chain kinase; minus strand), MYLK-AS1 (MYLK antisense RNA 1; plus strand). Cytogenetic location: 3q21.1.
Variant type: single nucleotide variant.
Coding change: c.5558G>A on transcript NM_053025.4 (MANE Select); coding-DNA position 5558, G replaced by A.
Protein change: p.Arg1853His; replaces arginine 1853 with histidine.
Molecular consequence: missense variant.
Genome position (GRCh38, 1-based): chr3:123,614,292, C>T on the plus strand (G>A on the coding strand, the complement: MYLK is on the minus strand). VCF-style: chr3-123614292-C-T. GRCh37 (hg19) VCF-style: chr3-123333139-C-T.
Other names: c.5558G>A (NM_053025.3); c.5030G>A, p.Arg1677His (NM_001321309.2); c.5351G>A, p.Arg1784His (NM_053026.4); c.5405G>A, p.Arg1802His (NM_053027.4); c.5198G>A, p.Arg1733His (NM_053028.4); c.275G>A, p.Arg92His (NM_053031.4); c.278G>A, p.Arg93His (NM_053032.4); short protein forms R1733H, R92H, R1802H, R93H, R1677H, R1784H, R1853H.
Identifiers: ClinVar variation 1356586 (VCV001356586.9), dbSNP rs375758782, ClinGen allele CA073101.